The following is an entry in ClinVar:

NM_006073.4(TRDN):c.1711G>A (p.Glu571Lys)

Gene: TRDN (triadin; minus strand). Cytogenetic location: 6q22.31.
Variant type: single nucleotide variant.
Coding change: c.1711G>A on transcript NM_006073.4 (MANE Select); coding-DNA position 1711, G replaced by A.
Protein change: p.Glu571Lys; replaces glutamic acid 571 with lysine.
Molecular consequence: missense variant.
Genome position (GRCh38, 1-based): chr6:123,271,148, C>T on the plus strand (G>A on the coding strand, the complement: TRDN is on the minus strand). VCF-style: chr6-123271148-C-T. GRCh37 (hg19) VCF-style: chr6-123592293-C-T.
Other names: short protein forms E571K.
Identifiers: ClinVar variation 3225239 (VCV003225239.1), dbSNP rs1388830882, ClinGen allele CA365564438.

ClinVar aggregate classification (germline): Uncertain significance (1 of 4 stars; one submission).

Conditions:
Cardiovascular phenotype. Identifiers: MedGen CN230736.

Allele frequency attached by ClinVar (database versions not stated): gnomAD 0.00001.
gnomAD v4.1: 13 of 1,532,450 alleles (0.00085%); highest among the groups gnomAD compares: Admixed American, 0.0042%; no homozygotes.

Submission:

Ambry Genetics
Classification: Uncertain significance for Cardiovascular phenotype. Last evaluated: 2023-11-18. Review status: criteria provided, single submitter. Criteria: Ambry Variant Classification Scheme 2023. Collection method: clinical testing. Allele origin: germline.
Comment: The p.E571K variant (also known as c.1711G>A), located in coding exon 30 of the TRDN gene, results from a G to A substitution at nucleotide position 1711. The glutamic acid at codon 571 is replaced by lysine, an amino acid with similar properties. This amino acid position is conserved. In addition, this alteration is predicted to be tolerated by in silico analysis. Since supporting evidence is limited at this time, the clinical significance of this alteration remains unclear.